The following is an entry in ClinVar:

NM_002293.4(LAMC1):c.2190C>T (p.Ser730=)

Gene: LAMC1 (laminin subunit gamma 1; plus strand). Cytogenetic location: 1q25.3.
Variant type: single nucleotide variant.
Coding change: c.2190C>T on transcript NM_002293.4 (MANE Select); coding-DNA position 2190, C replaced by T.
Protein change: p.Ser730=; no amino-acid change (serine 730 retained).
Molecular consequence: synonymous variant.
Genome position (GRCh38, 1-based): chr1:183,121,922, C>T. VCF-style: chr1-183121922-C-T. GRCh37 (hg19) VCF-style: chr1-183091057-C-T.
Other names: NC_000001.10:g.183091057C>T.
Identifiers: ClinVar variation 3050450 (VCV003050450.3), dbSNP rs140930364, ClinGen allele CA1281292.
Genomic context (GRCh38, chr1:183,121,922, plus strand): 5'-AGAAACTCCTAATCTTGGACCATACAGTCCATGTGTGCTTTGCGCCTGCAATGGACACAG[C>T]GAGACCTGTGATCCTGAGACAGGTGAGATGATCTTTGGCAGCTCTTAGACCTAACTTCTC-3'
Protein context (NP_002284.3, residues 720-740): PCVLCACNGH[Ser730=]ETCDPETGVC

ClinVar aggregate classification (germline): Likely benign (0 of 4 stars; one submission).

Conditions:
LAMC1-related disorder. Also called: LAMC1-related condition.

Allele frequency attached by ClinVar (database versions not stated): gnomAD exomes 0.00024; gnomAD 0.00037; TOPMed 0.00041; ExAC 0.00056; 1000 Genomes Project 30x 0.00141; 1000 Genomes Project 0.00180.
gnomAD v4.1: 404 of 1,614,060 alleles (0.025%); highest among the groups gnomAD compares: East Asian, 0.82%; no homozygotes.

Submissions (4):

PreventionGenetics, part of Exact Sciences
Classification: Likely benign for LAMC1-related condition. Last evaluated: 2019-07-12. Review status: no assertion criteria provided. Collection method: clinical testing. Allele origin: germline.
Comment: This variant is classified as likely benign based on ACMG/AMP sequence variant interpretation guidelines (Richards et al. 2015 PMID: 25741868, with internal and published modifications).

Dr. Peter K. Rogan Lab, Western University
No classification provided (evidence only). Condition: Familial cancer of breast. Review status: no classification provided. Collection method: in vitro. Allele origin: not applicable. Functional consequence: retained intron. Not counted in ClinVar's aggregate classification.

Dr. Peter K. Rogan Lab, Western University
No classification provided (evidence only). Condition: Malignant lymphoma, large B-cell, diffuse. Review status: no classification provided. Collection method: in vitro. Allele origin: not applicable. Functional consequence: retained intron. Not counted in ClinVar's aggregate classification.

Dr. Peter K. Rogan Lab, Western University
No classification provided (evidence only). Condition: Hepatocellular carcinoma. Review status: no classification provided. Collection method: in vitro. Allele origin: not applicable. Functional consequence: retained intron. Not counted in ClinVar's aggregate classification.